The following is an entry in ClinVar:

ClinVar aggregate classification (germline): Pathogenic (1 of 4 stars; one submission).

Conditions:
Charcot-Marie-Tooth disease axonal type 2V. Also called: CHARCOT-MARIE-TOOTH NEUROPATHY, TYPE 2V; CHARCOT-MARIE-TOOTH DISEASE, AXONAL, AUTOSOMAL DOMINANT, TYPE 2V. Identifiers: Orphanet 447964, MedGen C5569050, MONDO:0014665, OMIM 616491.
Mucopolysaccharidosis, MPS-III-B (MPS3B). Also called: MPS IIIB (Sanfilippo Syndrome Type B); N-ACETYL-ALPHA-D-GLUCOSAMINIDASE DEFICIENCY; NAGLU DEFICIENCY; MUCOPOLYSACCHARIDOSIS, TYPE IIIB; Mucopolysaccharidosis type IIIB (Sanfilippo B); SANFILIPPO SYNDROME B. Identifiers: Orphanet 79270, MedGen C0086648, MONDO:0009656, OMIM 252920.

Submission:

Labcorp Genetics (formerly Invitae), Labcorp
Classification: Pathogenic for Charcot-Marie-Tooth disease axonal type 2V; Mucopolysaccharidosis, MPS-III-B. Last evaluated: 2021-05-31. Review status: criteria provided, single submitter. Criteria: Invitae Variant Classification Sherloc (09022015). Collection method: clinical testing. Allele origin: germline.
Comment: This sequence change creates a premature translational stop signal (p.Leu214Profs*59) in the NAGLU gene. It is expected to result in an absent or disrupted protein product. Loss-of-function variants in NAGLU are known to be pathogenic (PMID: 9832037, 10094189, 16151907). This variant is not present in population databases (ExAC no frequency). This variant has not been reported in the literature in individuals with NAGLU-related conditions. For these reasons, this variant has been classified as Pathogenic.

Literature cited by the submitters: PubMed 9832037; PubMed 10094189; PubMed 16151907.

NM_000263.4(NAGLU):c.640dup (p.Leu214fs)

Gene: NAGLU (N-acetyl-alpha-glucosaminidase; plus strand). Cytogenetic location: 17q21.2.
Variant type: Duplication.
Coding change: c.640dup on transcript NM_000263.4 (MANE Select); coding-DNA position 640, one base duplicated (C; older notation c.640dupC).
Protein change: p.Leu214fs; shifts the reading frame from leucine 214.
Molecular consequence: frameshift variant.
Genome position (GRCh38, 1-based): chr17:42,538,447, C duplicated; the last of 5 consecutive C bases (chr17:42,538,443-42,538,447); duplicating any one gives the same sequence. VCF-style (leftmost placement, unchanged base first): chr17-42538442-G-GC. GRCh37 (hg19) VCF-style: chr17-40690460-G-GC.
Other names: short protein forms L214fs.
Identifiers: ClinVar variation 1356379 (VCV001356379.6), dbSNP rs2143086910, ClinGen allele CA2573153965.